The following is an entry in ClinVar:

ClinVar aggregate classification (germline): Uncertain significance (1 of 4 stars; one submission).

Conditions:
Hereditary breast ovarian cancer syndrome. Also called: BRCA1- and BRCA2-Associated Hereditary Breast and Ovarian Cancer; Hereditary breast and ovarian cancer; Hereditary breast and ovarian cancer syndrome (HBOC); Hereditary breast and ovarian cancer syndrome; Hereditary breast and/or ovarian cancer syndrome; Breast and ovarian cancer. Identifiers: Orphanet 145, MedGen C0677776, MeSH D061325, MONDO:0003582. Disease mechanism: loss of function.

Allele frequency attached by ClinVar (database versions not stated): gnomAD 0.00001.
gnomAD v4.1: 1 of 1,613,952 alleles (0.000062%); highest among the groups gnomAD compares: South Asian, 0.0011%; no homozygotes.

Submission:

Labcorp Genetics (formerly Invitae), Labcorp
Classification: Uncertain significance for Hereditary breast ovarian cancer syndrome. Last evaluated: 2023-11-25. Review status: criteria provided, single submitter. Criteria: Invitae Variant Classification Sherloc (09022015). Collection method: clinical testing. Allele origin: germline.
Comment: This sequence change replaces asparagine, which is neutral and polar, with lysine, which is basic and polar, at codon 1201 of the BRCA2 protein (p.Asn1201Lys). This variant is not present in population databases (gnomAD no frequency). This variant has not been reported in the literature in individuals affected with BRCA2-related conditions. Advanced modeling of protein sequence and biophysical properties (such as structural, functional, and spatial information, amino acid conservation, physicochemical variation, residue mobility, and thermodynamic stability) performed at Invitae indicates that this missense variant is not expected to disrupt BRCA2 protein function with a negative predictive value of 95%. In summary, the available evidence is currently insufficient to determine the role of this variant in disease. Therefore, it has been classified as a Variant of Uncertain Significance.

NM_000059.4(BRCA2):c.3603C>G (p.Asn1201Lys)

Gene: BRCA2 (BRCA2 DNA repair associated; plus strand). Cytogenetic location: 13q13.1.
Variant type: single nucleotide variant.
Coding change: c.3603C>G on transcript NM_000059.4 (MANE Select); coding-DNA position 3603, C replaced by G.
Protein change: p.Asn1201Lys; replaces asparagine 1201 with lysine.
Molecular consequence: missense variant. On other transcripts: non-coding transcript variant (1), intron variant (2).
Genome position (GRCh38, 1-based): chr13:32,337,958, C>G. VCF-style: chr13-32337958-C-G. GRCh37 (hg19) VCF-style: chr13-32912095-C-G.
Other names: c.3603C>G, p.Asn1201Lys (NM_001406720.1, NM_001406719.1); c.1909+4571C>G (NM_001406721.1); c.425-6600C>G (NM_001406722.1); short protein forms N1201K.
Identifiers: ClinVar variation 2698836 (VCV002698836.3), dbSNP rs2137498251, ClinGen allele CA387777510.